The following is an entry in ClinVar:

ClinVar aggregate classification (germline): Benign. Review status: criteria provided, single submitter (1 of 4 stars). 3 submissions from 3 submitters: Benign (1). 2 of the submissions do not count toward it.

Conditions:
AFF2-related disorder. Also called: AFF2-related condition.

Allele frequency attached by ClinVar (database versions not stated): ESP Exome Variant Server 0.01846; ExAC 0.01087; 1000 Genomes Project 30x 0.02706; gnomAD exomes 0.00907 and 0.00411; gnomAD 0.01510 and 0.01514; TOPMed 0.01666; 1000 Genomes Project 0.02755.
gnomAD v4.1: 6,369 of 1,204,874 alleles (0.53%); highest among the groups gnomAD compares: African/African-American, 4.9%; 86 homozygotes.

Submissions (3):

Breakthrough Genomics
Classification: Benign. Review status: criteria provided, single submitter. Criteria: ACMG Guidelines, 2015. Collection method: not provided. Allele origin: germline. Inheritance: X-linked inheritance. Affected: yes.

PreventionGenetics, part of Exact Sciences
Classification: Benign for AFF2-related condition. Last evaluated: 2019-09-06. Review status: no assertion criteria provided. Collection method: clinical testing. Allele origin: germline. Not counted in ClinVar's aggregate classification.
Comment: This variant is classified as benign based on ACMG/AMP sequence variant interpretation guidelines (Richards et al. 2015 PMID: 25741868, with internal and published modifications).

Genetic Services Laboratory, University of Chicago
Classification: Likely benign for AllHighlyPenetrant. Review status: no assertion criteria provided. Collection method: clinical testing. Allele origin: germline. Inheritance: X-linked inheritance. Not counted in ClinVar's aggregate classification.
Comment: Likely benign based on allele frequency in 1000 Genomes Project or ESP global frequency and its presence in a patient with a rare or unrelated disease phenotype. NOT Sanger confirmed.

NM_002025.4(AFF2):c.3837G>A (p.Thr1279=)

Gene: AFF2 (ALF transcription elongation factor 2; plus strand). Cytogenetic location: Xq28.
Variant type: single nucleotide variant.
Coding change: c.3837G>A on transcript NM_002025.4 (MANE Select); coding-DNA position 3837, G replaced by A.
Protein change: p.Thr1279=; no amino-acid change (threonine 1279 retained).
Molecular consequence: synonymous variant.
Genome position (GRCh38, 1-based): chrX:148,991,233, G>A. VCF-style: chrX-148991233-G-A. GRCh37 (hg19) VCF-style: chrX-148072763-G-A.
Other names: c.3732G>A, p.Thr1244= (NM_001169122.2, NM_001169124.2); c.3807G>A, p.Thr1269= (NM_001169123.2); c.3720G>A, p.Thr1240= (NM_001169125.2); c.2760G>A, p.Thr920= (NM_001170628.1).
Identifiers: ClinVar variation 128284 (VCV000128284.9), dbSNP rs61743576, ClinGen allele CA151605.